The following is an entry in ClinVar:

ClinVar aggregate classification (germline): Conflicting classifications of pathogenicity. Review status: criteria provided, conflicting classifications (1 of 4 stars). 9 submissions from 9 submitters: Uncertain significance (7); Likely benign (1). 1 of the submissions does not count toward it. Last evaluated 2026-05-07.

Conditions:
Retinal dystrophy. Also called: Inherited retinal dystrophy. Identifiers: Orphanet 71862, MedGen C0854723, MeSH D058499, MONDO:0019118, HP:0000556.
Inborn genetic diseases. Identifiers: MedGen C0950123, MeSH D030342.
BBS1-related disorder. Also called: BBS1-related condition.
Bardet-Biedl syndrome 1 (BBS1). Identifiers: MedGen C2936862, MONDO:0008854, OMIM 209900. Disease mechanism: loss of function.
Bardet-Biedl syndrome (BBS). Identifiers: Orphanet 110, MedGen C0752166, MONDO:0015229.

Allele frequency attached by ClinVar (database versions not stated): ExAC 0.00006; TOPMed 0.00010; gnomAD exomes 0.00009; gnomAD 0.00006.
gnomAD v4.1: 106 of 1,614,210 alleles (0.0066%); highest among the groups gnomAD compares: Middle Eastern, 0.049%; no homozygotes.

Submissions (9):

PreventionGenetics, part of Exact Sciences
Classification: Uncertain significance for BBS1-related condition. Last evaluated: 2026-05-07. Review status: criteria provided, single submitter. Criteria: ACMG Guidelines, 2015. Collection method: clinical testing. Allele origin: germline.
Comment: The BBS1 c.1277A>G variant is predicted to result in the amino acid substitution p.Asn426Ser. To our knowledge, this variant has not been reported in the literature. This variant is reported in 0.026% of alleles in individuals of South Asian descent in gnomAD. At this time, the clinical significance of this variant is uncertain due to the absence of conclusive functional and genetic evidence.

GeneDx
Classification: Uncertain significance. Last evaluated: 2025-06-29. Review status: criteria provided, single submitter. Criteria: GeneDx Variant Classification Process June 2021. Collection method: clinical testing. Allele origin: germline. Affected: yes.
Comment: In silico analysis supports that this missense variant has a deleterious effect on protein structure/function; Has not been previously published as pathogenic or benign to our knowledge

Blueprint Genetics
Classification: Uncertain significance. Last evaluated: 2024-10-21. Review status: criteria provided, single submitter. Criteria: ACMG Guidelines, 2015. Collection method: clinical testing. Allele origin: germline.

Fulgent Genetics
Classification: Uncertain significance for Bardet-Biedl syndrome 1. Last evaluated: 2024-04-03. Review status: criteria provided, single submitter. Criteria: ACMG Guidelines, 2015. Collection method: clinical testing. Allele origin: germline.

Dept Of Ophthalmology, Nagoya University
Classification: Uncertain significance for Retinal dystrophy. Last evaluated: 2023-10-01. Review status: criteria provided, single submitter. Criteria: Submitter's publication. Collection method: research. Allele origin: germline. Affected: yes.

Labcorp Genetics (formerly Invitae), Labcorp
Classification: Uncertain significance for Bardet-Biedl syndrome. Last evaluated: 2022-08-23. Review status: criteria provided, single submitter. Criteria: Invitae Variant Classification Sherloc (09022015). Collection method: clinical testing. Allele origin: germline.
Comment: This sequence change replaces asparagine, which is neutral and polar, with serine, which is neutral and polar, at codon 426 of the BBS1 protein (p.Asn426Ser). This variant is present in population databases (rs755782127, gnomAD 0.03%). This variant has not been reported in the literature in individuals affected with BBS1-related conditions. ClinVar contains an entry for this variant (Variation ID: 462952). Algorithms developed to predict the effect of missense changes on protein structure and function output the following: SIFT: "Tolerated"; PolyPhen-2: "Benign"; Align-GVGD: "Class C0". The serine amino acid residue is found in multiple mammalian species, which suggests that this missense change does not adversely affect protein function. In summary, the available evidence is currently insufficient to determine the role of this variant in disease. Therefore, it has been classified as a Variant of Uncertain Significance.

New York Genome Center
Classification: Uncertain significance for Bardet-Biedl syndrome 1. Last evaluated: 2022-02-23. Review status: criteria provided, single submitter. Criteria: NYGC Assertion Criteria 2020. Collection method: clinical testing. Allele origin: germline. Observed: 1 heterozygote.

Ambry Genetics
Classification: Likely benign for Inborn genetic diseases. Last evaluated: 2021-09-16. Review status: criteria provided, single submitter. Criteria: Ambry Variant Classification Scheme 2023. Collection method: clinical testing. Allele origin: germline.

Natera, Inc.
Classification: Uncertain significance for Bardet-Biedl syndrome type 1. Last evaluated: 2019-10-28. Review status: no assertion criteria provided. Collection method: clinical testing. Allele origin: germline. Not counted in ClinVar's aggregate classification.

NM_024649.5(BBS1):c.1277A>G (p.Asn426Ser)

Genes: BBS1 (Bardet-Biedl syndrome 1; plus strand), ZDHHC24 (zDHHC palmitoyltransferase 24; minus strand). Cytogenetic location: 11q13.2.
Variant type: single nucleotide variant.
Coding change: c.1277A>G on transcript NM_024649.5 (MANE Select); coding-DNA position 1277, A replaced by G.
Protein change: p.Asn426Ser; replaces asparagine 426 with serine.
Molecular consequence: missense variant. On other transcripts: intron variant (1).
Genome position (GRCh38, 1-based): chr11:66,526,745, A>G. VCF-style: chr11-66526745-A-G. GRCh37 (hg19) VCF-style: chr11-66294216-A-G.
Other names: c.*21+191T>C (NM_001348571.2); short protein forms N426S.
Identifiers: ClinVar variation 462952 (VCV000462952.15), dbSNP rs755782127, ClinGen allele CA6123687.